The following is an entry in ClinVar:

NM_001128840.3(CACNA1D):c.920-89G>A

Gene: CACNA1D (calcium voltage-gated channel subunit alpha1 D; plus strand). Cytogenetic location: 3p21.1.
Variant type: single nucleotide variant.
Coding change: c.920-89G>A on transcript NM_001128840.3 (MANE Select); 89 bases into the intron before coding-DNA position 920, G replaced by A.
Molecular consequence: intron variant.
Genome position (GRCh38, 1-based): chr3:53,666,250, G>A. VCF-style: chr3-53666250-G-A. GRCh37 (hg19) VCF-style: chr3-53700277-G-A.
Other names: c.920-89G>A (NM_001128839.3, NM_000720.4).
Identifiers: ClinVar variation 684163 (VCV000684163.1), dbSNP rs78520126, ClinGen allele CA11531367.
Genomic context (GRCh38, chr3:53,666,250, plus strand): 5'-GGGAACCTTGAAGGACAAGCAGGATCCTGAGGCAACGCAGATGGGGCGGTAGGGTGTCCC[G>A]GGCTCTGGCAAGGGTTCTCACCTTCCGCTGGCTTGGATTTCCTGATGTTTCTGTCCTGAG-3'

ClinVar aggregate classification (germline): Likely benign (1 of 4 stars; one submission).

Allele frequency attached by ClinVar (database versions not stated): gnomAD 0.01305 and 0.01385; 1000 Genomes Project 0.01498; TOPMed 0.01498; 1000 Genomes Project 30x 0.01686.
gnomAD v4.1: 3,538 of 1,237,410 alleles (0.29%); highest among the groups gnomAD compares: African/African-American, 4.4%; 76 homozygotes.

Submission:

GeneDx
Classification: Likely benign. Last evaluated: 2018-06-16. Review status: criteria provided, single submitter. Criteria: GeneDx Variant Classification (06012015). Collection method: clinical testing. Allele origin: germline. Affected: yes.
Comment: This variant is considered likely benign or benign based on one or more of the following criteria: it is a conservative change, it occurs at a poorly conserved position in the protein, it is predicted to be benign by multiple in silico algorithms, and/or has population frequency not consistent with disease.